The following is an entry in ClinVar:

NM_001170629.2(CHD8):c.3872A>G (p.Asn1291Ser)

Gene: CHD8 (chromodomain helicase DNA binding protein 8; minus strand). Cytogenetic location: 14q11.2.
Variant type: single nucleotide variant.
Coding change: c.3872A>G on transcript NM_001170629.2 (MANE Select); coding-DNA position 3872, A replaced by G.
Protein change: p.Asn1291Ser; replaces asparagine 1291 with serine.
Molecular consequence: missense variant.
Genome position (GRCh38, 1-based): chr14:21,402,346, T>C on the plus strand (A>G on the coding strand, the complement: CHD8 is on the minus strand). VCF-style: chr14-21402346-T-C. GRCh37 (hg19) VCF-style: chr14-21870505-T-C.
Other names: c.3035A>G, p.Asn1012Ser (NM_020920.4); short protein forms N1012S, N1291S.
Identifiers: ClinVar variation 2159526 (VCV002159526.4), dbSNP rs200564383, ClinGen allele CA7091347.

ClinVar aggregate classification (germline): Uncertain significance (1 of 4 stars; one submission).

Allele frequency attached by ClinVar (database versions not stated): gnomAD 0.00001; TOPMed 0.00001; ExAC 0.00002; gnomAD exomes 0.00003; 1000 Genomes Project 30x 0.00016; 1000 Genomes Project 0.00020.
gnomAD v4.1: 53 of 1,614,020 alleles (0.0033%); highest among the groups gnomAD compares: Non-Finnish European, 0.0043%; no homozygotes.

Submission:

Labcorp Genetics (formerly Invitae), Labcorp
Classification: Uncertain significance. Last evaluated: 2023-12-11. Review status: criteria provided, single submitter. Criteria: Invitae Variant Classification Sherloc (09022015). Collection method: clinical testing. Allele origin: germline.
Comment: This sequence change replaces asparagine, which is neutral and polar, with serine, which is neutral and polar, at codon 1291 of the CHD8 protein (p.Asn1291Ser). This variant is present in population databases (rs200564383, gnomAD 0.003%). This missense change has been observed in individual(s) with clinical features of CHD8-related conditions (PMID: 30564305). ClinVar contains an entry for this variant (Variation ID: 2159526). Advanced modeling of protein sequence and biophysical properties (such as structural, functional, and spatial information, amino acid conservation, physicochemical variation, residue mobility, and thermodynamic stability) performed at Invitae indicates that this missense variant is not expected to disrupt CHD8 protein function with a negative predictive value of 80%. In summary, the available evidence is currently insufficient to determine the role of this variant in disease. Therefore, it has been classified as a Variant of Uncertain Significance.

Literature cited by the submitters: PubMed 30564305.